The following is an entry in ClinVar:

NM_025137.4(SPG11):c.4651C>A (p.Leu1551Met)

Gene: SPG11 (SPG11 vesicle trafficking associated, spatacsin; minus strand). Cytogenetic location: 15q21.1.
Variant type: single nucleotide variant.
Coding change: c.4651C>A on transcript NM_025137.4 (MANE Select); coding-DNA position 4651, C replaced by A.
Protein change: p.Leu1551Met; replaces leucine 1551 with methionine.
Molecular consequence: missense variant.
Genome position (GRCh38, 1-based): chr15:44,592,423, G>T on the plus strand (C>A on the coding strand, the complement: SPG11 is on the minus strand). VCF-style: chr15-44592423-G-T. GRCh37 (hg19) VCF-style: chr15-44884621-G-T.
Other names: c.4651C>A, p.Leu1551Met (NM_001160227.2); short protein forms L1551M.
Identifiers: ClinVar variation 664499 (VCV000664499.8), dbSNP rs1595855125, ClinGen allele CA392225355.

ClinVar aggregate classification (germline): Uncertain significance (1 of 4 stars; one submission).

Conditions:
Hereditary spastic paraplegia 11. Also called: Spastic paraplegia, mental retardation and thin corpus callosum; Nakamura Osame syndrome; Autosomal recessive hereditary spastic paraplegia, mental impairment, and thin corpus callosum; SPASTIC PARAPLEGIA, AUTOSOMAL RECESSIVE, COMPLICATED, WITH THIN CORPUS CALLOSUM; SPASTIC PARAPLEGIA, AUTOSOMAL RECESSIVE, WITH MENTAL IMPAIRMENT AND THIN CORPUS CALLOSUM; Spastic Paraplegia 11. Identifiers: Orphanet 2822, MedGen C1858479, MONDO:0011445, OMIM 604360.

Submission:

Labcorp Genetics (formerly Invitae), Labcorp
Classification: Uncertain significance for Hereditary spastic paraplegia 11. Last evaluated: 2021-08-28. Review status: criteria provided, single submitter. Criteria: Invitae Variant Classification Sherloc (09022015). Collection method: clinical testing. Allele origin: germline.
Comment: This sequence change replaces leucine with methionine at codon 1551 of the SPG11 protein (p.Leu1551Met). The leucine residue is highly conserved and there is a small physicochemical difference between leucine and methionine. This variant is not present in population databases (ExAC no frequency). This variant has not been reported in the literature in individuals affected with SPG11-related conditions. Algorithms developed to predict the effect of missense changes on protein structure and function are either unavailable or do not agree on the potential impact of this missense change (SIFT: "Tolerated"; PolyPhen-2: "Probably Damaging"; Align-GVGD: "Class C0"). In summary, the available evidence is currently insufficient to determine the role of this variant in disease. Therefore, it has been classified as a Variant of Uncertain Significance.